The following is an entry in ClinVar:

ClinVar aggregate classification (germline): Uncertain significance (1 of 4 stars; one submission).

Conditions:
Fanconi anemia (FA). Also called: Fanconi's anemia. Identifiers: Orphanet 84, MedGen C0015625, MeSH D005199, MONDO:0019391.

Submission:

Labcorp Genetics (formerly Invitae), Labcorp
Classification: Uncertain significance for Fanconi anemia. Last evaluated: 2025-12-16. Review status: criteria provided, single submitter. Criteria: Invitae Variant Classification Sherloc (09022015). Collection method: clinical testing. Allele origin: germline.
Comment: This sequence change replaces glutamic acid, which is acidic and polar, with glutamine, which is neutral and polar, at codon 625 of the FANCB protein (p.Glu625Gln). This variant is not present in population databases (gnomAD no frequency). This variant has not been reported in the literature in individuals affected with FANCB-related conditions. Invitae Evidence Modeling of protein sequence and biophysical properties (such as structural, functional, and spatial information, amino acid conservation, physicochemical variation, residue mobility, and thermodynamic stability) indicates that this missense variant is not expected to disrupt FANCB protein function with a negative predictive value of 80%. In summary, the available evidence is currently insufficient to determine the role of this variant in disease. Therefore, it has been classified as a Variant of Uncertain Significance.

NM_001018113.3(FANCB):c.1873G>C (p.Glu625Gln)

Gene: FANCB (FA complementation group B; minus strand). Cytogenetic location: Xp22.2.
Variant type: single nucleotide variant.
Coding change: c.1873G>C on transcript NM_001018113.3 (MANE Select); coding-DNA position 1873, G replaced by C.
Protein change: p.Glu625Gln; replaces glutamic acid 625 with glutamine.
Molecular consequence: missense variant.
Genome position (GRCh38, 1-based): chrX:14,844,910, C>G on the plus strand (G>C on the coding strand, the complement: FANCB is on the minus strand). VCF-style: chrX-14844910-C-G. GRCh37 (hg19) VCF-style: chrX-14863032-C-G.
Other names: c.1873G>C, p.Glu625Gln (NM_001324162.2, NM_001410764.1, NM_152633.4); short protein forms E625Q.
Identifiers: ClinVar variation 4753837 (VCV004753837.1).